The following is an entry in ClinVar:

NM_001103.4(ACTN2):c.1780A>G (p.Ser594Gly)

Gene: ACTN2 (actinin alpha 2; plus strand). Cytogenetic location: 1q43.
Variant type: single nucleotide variant.
Coding change: c.1780A>G on transcript NM_001103.4 (MANE Select); coding-DNA position 1780, A replaced by G.
Protein change: p.Ser594Gly; replaces serine 594 with glycine.
Molecular consequence: missense variant.
Genome position (GRCh38, 1-based): chr1:236,751,593, A>G. VCF-style: chr1-236751593-A-G. GRCh37 (hg19) VCF-style: chr1-236914893-A-G.
Other names: c.1780A>G, p.Ser594Gly (NM_001278343.2); c.1156A>G, p.Ser386Gly (NM_001278344.2); short protein forms S594G, S386G.
Identifiers: ClinVar variation 656026 (VCV000656026.8), dbSNP rs1572143496, ClinGen allele CA345386150.

ClinVar aggregate classification (germline): Uncertain significance. Review status: criteria provided, multiple submitters, no conflicts (2 of 4 stars). 2 submissions from 2 submitters: Uncertain significance (2). Last evaluated 2021-08-27.

Conditions:
Dilated cardiomyopathy 1AA (CMD1AA). Also called: CARDIOMYOPATHY, DILATED, 1AA, WITH OR WITHOUT LEFT VENTRICULAR NONCOMPACTION; CARDIOMYOPATHY, FAMILIAL HYPERTROPHIC, 23, WITH OR WITHOUT LEFT VENTRICULAR NONCOMPACTION; Cardiomyopathy, dilated, 1AA, with or without LVNC. Identifiers: Orphanet 154, MedGen C2677338, MONDO:0012808, OMIM 612158.
Primary familial hypertrophic cardiomyopathy (HCM). Identifiers: Orphanet 99739, MedGen C0949658, MeSH D024741, MONDO:0024573. Inheritance: Various modes of inheritance.
Cardiovascular phenotype. Identifiers: MedGen CN230736.

Allele frequency attached by ClinVar (database versions not stated): gnomAD exomes below 0.00001.
gnomAD v4.1: 1 of 1,614,068 alleles (0.000062%); highest among the groups gnomAD compares: Non-Finnish European, 0.000085%; no homozygotes.

Submissions (2):

Labcorp Genetics (formerly Invitae), Labcorp
Classification: Uncertain significance for Primary familial hypertrophic cardiomyopathy; Dilated cardiomyopathy 1AA. Last evaluated: 2021-08-27. Review status: criteria provided, single submitter. Criteria: Invitae Variant Classification Sherloc (09022015). Collection method: clinical testing. Allele origin: germline.
Comment: This sequence change replaces serine with glycine at codon 594 of the ACTN2 protein (p.Ser594Gly). The serine residue is highly conserved and there is a small physicochemical difference between serine and glycine. This variant is not present in population databases (ExAC no frequency). This variant has not been reported in the literature in individuals affected with ACTN2-related conditions. Algorithms developed to predict the effect of missense changes on protein structure and function are either unavailable or do not agree on the potential impact of this missense change (SIFT: "Deleterious"; PolyPhen-2: "Benign"; Align-GVGD: "Class C55"). In summary, the available evidence is currently insufficient to determine the role of this variant in disease. Therefore, it has been classified as a Variant of Uncertain Significance.

Ambry Genetics
Classification: Uncertain significance for Cardiovascular phenotype. Last evaluated: 2020-02-27. Review status: criteria provided, single submitter. Criteria: Ambry Variant Classification Scheme 2023. Collection method: clinical testing. Allele origin: germline.
Comment: The p.S594G variant (also known as c.1780A>G), located in coding exon 15 of the ACTN2 gene, results from an A to G substitution at nucleotide position 1780. The serine at codon 594 is replaced by glycine, an amino acid with similar properties. This amino acid position is well conserved in available vertebrate species. In addition, this alteration is predicted to be tolerated by in silico analysis. Since supporting evidence is limited at this time, the clinical significance of this alteration remains unclear.